The following is an entry in ClinVar:

ClinVar aggregate classification (germline): Likely benign (0 of 4 stars; one submission).

Conditions:
ADCY3-related disorder. Also called: ADCY3-related condition.

gnomAD v4.1: 7 of 1,466,104 alleles (0.00048%); highest among the groups gnomAD compares: Non-Finnish European, 0.00064%; no homozygotes.

Submission:

PreventionGenetics, part of Exact Sciences
Classification: Likely benign for ADCY3-related condition. Last evaluated: 2023-10-24. Review status: no assertion criteria provided. Collection method: clinical testing. Allele origin: germline.
Comment: This variant is classified as likely benign based on ACMG/AMP sequence variant interpretation guidelines (Richards et al. 2015 PMID: 25741868, with internal and published modifications).

NM_004036.5(ADCY3):c.3258A>G (p.Val1086=)

Genes: ADCY3 (adenylate cyclase 3; minus strand), CENPO (centromere protein O; plus strand). Cytogenetic location: 2p23.3.
Variant type: single nucleotide variant.
Coding change: c.3258A>G on transcript NM_004036.5 (MANE Select); coding-DNA position 3258, A replaced by G.
Protein change: p.Val1086=; no amino-acid change (valine 1086 retained).
Molecular consequence: synonymous variant. On other transcripts: stop lost (1), 3 prime UTR variant (3), non-coding transcript variant (3).
Genome position (GRCh38, 1-based): chr2:24,820,109, T>C on the plus strand (A>G on the coding strand, the complement: ADCY3 is on the minus strand). VCF-style: chr2-24820109-T-C. GRCh37 (hg19) VCF-style: chr2-25042978-T-C.
Other names: c.3261A>G, p.Val1087= (NM_001320613.2); c.3324A>G, p.Val1108= (NM_001377128.1); c.3120A>G, p.Val1040= (NM_001377129.1); c.2774A>G, p.Ter925Trp (NM_001377130.1); c.2535A>G, p.Val845= (NM_001377131.1); c.3258A>G, p.Val1086= (NM_001377132.1); c.*791T>C (NM_001199803.3, NM_001322101.2, NM_024322.4).
Identifiers: ClinVar variation 3349774 (VCV003349774.1).